The following is an entry in ClinVar:

NM_017763.6(RNF43):c.161A>G (p.Lys54Arg)

Gene: RNF43 (ring finger protein 43; minus strand). Cytogenetic location: 17q22.
Variant type: single nucleotide variant.
Coding change: c.161A>G on transcript NM_017763.6 (MANE Select); coding-DNA position 161, A replaced by G.
Protein change: p.Lys54Arg; replaces lysine 54 with arginine.
Molecular consequence: missense variant.
Genome position (GRCh38, 1-based): chr17:58,415,417, T>C on the plus strand (A>G on the coding strand, the complement: RNF43 is on the minus strand). VCF-style: chr17-58415417-T-C. GRCh37 (hg19) VCF-style: chr17-56492778-T-C.
Other names: c.161A>G, p.Lys54Arg (NM_001305544.3); short protein forms K54R.
Identifiers: ClinVar variation 3946895 (VCV003946895.1).

ClinVar aggregate classification (germline): Uncertain significance (1 of 4 stars; one submission).

gnomAD v4.1: 1 of 1,614,122 alleles (0.000062%); highest among the groups gnomAD compares: African/African-American, 0.0013%; no homozygotes.

Submission:

Ambry Genetics
Classification: Uncertain significance. Last evaluated: 2025-05-17. Review status: criteria provided, single submitter. Criteria: Ambry Variant Classification Scheme 2023. Collection method: clinical testing. Allele origin: germline.
Comment: The p.K54R variant (also known as c.161A>G), located in coding exon 1 of the RNF43 gene, results from an A to G substitution at nucleotide position 161. The lysine at codon 54 is replaced by arginine, an amino acid with highly similar properties. This amino acid position is conserved. In addition, this alteration is predicted to be tolerated by in silico analysis. Based on the available evidence, the clinical significance of this variant remains unclear.